The following is an entry in ClinVar:

NM_003737.4(DCHS1):c.9298C>A (p.Pro3100Thr)

Gene: DCHS1 (dachsous cadherin-related 1; minus strand). Cytogenetic location: 11p15.4.
Variant type: single nucleotide variant.
Coding change: c.9298C>A on transcript NM_003737.4 (MANE Select); coding-DNA position 9298, C replaced by A.
Protein change: p.Pro3100Thr; replaces proline 3100 with threonine.
Molecular consequence: missense variant.
Genome position (GRCh38, 1-based): chr11:6,622,378, G>T on the plus strand (C>A on the coding strand, the complement: DCHS1 is on the minus strand). VCF-style: chr11-6622378-G-T. GRCh37 (hg19) VCF-style: chr11-6643609-G-T.
Other names: short protein forms P3100T.
Identifiers: ClinVar variation 4770754 (VCV004770754.1).
Genomic context (GRCh38, chr11:6,622,378, plus strand): 5'-GGAAGGCTGTGGCAGTGGCTGGGGGCCCCTCCTCTCTGTAGAGAGTGGCTCCTGCACCTG[G>T]CAGCAGCAGCCCTGCCTTTCGGCCCTTATACCAGGTGTCAGGGGCAGGTGGTTCGCAGGA-3'
Protein context (NP_003728.1, residues 3090-3110): YKGRKAGLLL[Pro3100Thr]GAGATLYREE

ClinVar aggregate classification (germline): Uncertain significance (1 of 4 stars; one submission).

gnomAD v4.1: 1 of 1,565,874 alleles (0.000064%); highest among the groups gnomAD compares: Non-Finnish European, 0.000087%; no homozygotes.

Submission:

Labcorp Genetics (formerly Invitae), Labcorp
Classification: Uncertain significance. Last evaluated: 2025-09-28. Review status: criteria provided, single submitter. Criteria: Invitae Variant Classification Sherloc (09022015). Collection method: clinical testing. Allele origin: germline.
Comment: This sequence change replaces proline, which is neutral and non-polar, with threonine, which is neutral and polar, at codon 3100 of the DCHS1 protein (p.Pro3100Thr). This variant is not present in population databases (gnomAD no frequency). This variant has not been reported in the literature in individuals affected with DCHS1-related conditions. Invitae Evidence Modeling of protein sequence and biophysical properties (such as structural, functional, and spatial information, amino acid conservation, physicochemical variation, residue mobility, and thermodynamic stability) indicates that this missense variant is not expected to disrupt DCHS1 protein function with a negative predictive value of 80%. In summary, the available evidence is currently insufficient to determine the role of this variant in disease. Therefore, it has been classified as a Variant of Uncertain Significance.